The following is an entry in ClinVar:

NM_003560.4(PLA2G6):c.2287C>T (p.Gln763Ter)

Gene: PLA2G6 (phospholipase A2 group VI; minus strand). Cytogenetic location: 22q13.1.
Variant type: single nucleotide variant.
Coding change: c.2287C>T on transcript NM_003560.4 (MANE Select); coding-DNA position 2287, C replaced by T.
Protein change: p.Gln763Ter; replaces glutamine 763 with a stop codon.
Molecular consequence: nonsense.
Genome position (GRCh38, 1-based): chr22:38,112,295, G>A on the plus strand (C>T on the coding strand, the complement: PLA2G6 is on the minus strand). VCF-style: chr22-38112295-G-A. GRCh37 (hg19) VCF-style: chr22-38508302-G-A.
Other names: NM_003560.4(PLA2G6):c.2287C>T; p.Gln763Ter; c.2125C>T, p.Gln709Ter (NM_001004426.3, NM_001199562.3, NM_001349865.2 and 1 more transcripts); c.2287C>T, p.Gln763Ter (NM_001349864.2); c.1753C>T, p.Gln585Ter (NM_001349867.2); c.1609C>T, p.Gln537Ter (NM_001349868.2); c.1591C>T, p.Gln531Ter (NM_001349869.2); short protein forms Q531*, Q537*, Q585*, Q709*, Q763*.
Identifiers: ClinVar variation 1177288 (VCV001177288.4), dbSNP rs373493102, ClinGen allele CA10230542.
Genomic context (GRCh38, chr22:38,112,295, plus strand): 5'-AGAGGGCGTTGACCAGCACTGTGTCACTGACCTCATCCAGCATGATGTCCGTCCCCAGCT[G>A]GGGGTTCAATCTGTTCGGGCCAGGGAGGAGGGGGTCACCCTAGGATGCTCAGGCTGGGCA-3'

ClinVar aggregate classification (germline): Likely pathogenic. Review status: criteria provided, multiple submitters, no conflicts (2 of 4 stars). 3 submissions from 3 submitters: Likely pathogenic (3). Last evaluated 2026-01-07.

Conditions:
Neurodegeneration with brain iron accumulation (NBIA). Identifiers: Orphanet 385, MedGen C2931845, MONDO:0018307.
PLA2G6-associated neurodegeneration (PLAN). Also called: phospholipase A2-associated neurodegeneration. Identifiers: Orphanet 329303, MedGen CN204472, MONDO:0017998.
Neurodegeneration with brain iron accumulation 2B. Also called: aNAD; atypical Neuroaxonal Dystrophy (aNAD); NEUROAXONAL DYSTROPHY, ATYPICAL; NEURODEGENERATION WITH BRAIN IRON ACCUMULATION, PLA2G6-RELATED. Identifiers: Orphanet 35069, MedGen C1857747, MONDO:0012444, OMIM 610217.

Allele frequency attached by ClinVar (database versions not stated): gnomAD exomes 0.00001 and below 0.00001; ExAC 0.00001; gnomAD 0.00003 and 0.00002; ESP Exome Variant Server 0.00008; TOPMed 0.00002.
gnomAD v4.1: 5 of 1,613,368 alleles (0.00031%); highest among the groups gnomAD compares: African/African-American, 0.004%; no homozygotes.

Submissions (3):

Variantyx, Inc.
Classification: Likely pathogenic for Neurodegeneration with brain iron accumulation 2B. Last evaluated: 2026-01-07. Review status: criteria provided, single submitter. Criteria: Variantyx Assertion Criteria 2022. Collection method: clinical testing. Allele origin: germline. Inheritance: Autosomal recessive inheritance.
Comment: This is a nonsense variant in the PLA2G6 gene (OMIM: 603604). Pathogenic variants in this gene have been associated with autosomal recessive neurodegeneration with brain iron accumulation 2B. This variant introduces a premature termination codon in exon 17 out of 17 and is expected to result in loss of function, which is a known disease mechanism for PLA2G6 in this disorder (PMID: 37285793) (PVS1). This variant has a 0.0040% maximum allele frequency in non-founder control populations (PM2). Based on the current evidence, this variant is classified as likely pathogenic for autosomal recessive neurodegeneration with brain iron accumulation 2B.

Broad Center for Mendelian Genomics, Broad Institute of MIT and Harvard
Classification: Likely pathogenic for PLA2G6-associated neurodegeneration. Last evaluated: 2023-01-24. Review status: criteria provided, single submitter. Criteria: ACMG Guidelines, 2015. Collection method: curation. Allele origin: germline. Inheritance: Autosomal recessive inheritance.
Comment: The p.Gln763Ter variant in PLA2G6 has not been previously reported in the literature in individuals with PLA2G6-associated neurodegeneration but has been identified in 0.008% (2/24686) of African/African American chromosomes by the Genome Aggregation Database (gnomAD; dbSNP ID: rs373493102). Although this variant has been seen in the general population in a heterozygous state, its frequency is low enough to be consistent with a recessive carrier frequency. This variant has also been reported in ClinVar (Variation ID#: 1177288) and has been interpreted as likely pathogenic by Women's Health and Genetics/Laboratory Corporation of America (LabCorp). This nonsense variant leads to a premature termination codon at position 763. This alteration occurs within the last exon and is more likely to escape nonsense mediated decay (NMD) and result in a truncated protein. Truncating variants downstream of this variant (c.2370T>G and c.2370_2371delTG) are pathogenic/likely pathogenic, which implies this region is critical to protein function. Loss of function of the PLA2G6 gene is an established disease mechanism in PLA2G6-associated neurodegeneration. In summary, although additional studies are required to fully establish its clinical significance, this variant is likely pathogenic for autosomal recessive PLA2G6-associated neurodegeneration. ACMG/AMP Criteria applied: PVS1_strong, PM2 (Richards 2015).

Women's Health and Genetics/Laboratory Corporation of America, LabCorp
Classification: Likely pathogenic for Neurodegeneration with brain iron accumulation. Last evaluated: 2021-06-23. Review status: criteria provided, single submitter. Criteria: LabCorp Variant Classification Summary - May 2015. Collection method: clinical testing. Allele origin: germline.
Comment: Variant summary: PLA2G6 c.2287C>T (p.Gln763X) results in a premature termination codon, predicted to cause a truncation of the encoded protein or absence of the protein due to nonsense mediated decay, which are commonly known mechanisms for disease. Truncations downstream of this position have been cited in ClinVar as pathogenic by multiple submitters (e.g. c.2370T>G, p.Tyr790X; c.2370_2371delTG, p.Tyr790X) and are reported as disease causing mutations in HGMD (e.g. c.2389C>T, p.Q797X). The variant allele was found at a frequency of 8e-06 in 249528 control chromosomes (gnomAD). To our knowledge, no occurrence of c.2287C>T in individuals affected with Neurodegeneration With Brain Iron Accumulation and no experimental evidence demonstrating its impact on protein function have been reported. No clinical diagnostic laboratories have submitted clinical-significance assessments for this variant to ClinVar after 2014. Based on the evidence outlined above, the variant was classified as likely pathogenic.

Literature cited by the submitters: PubMed 37285793 (cited by Variantyx, Inc.).